The following is an entry in ClinVar:

ClinVar aggregate classification (germline): Conflicting classifications of pathogenicity. Review status: criteria provided, conflicting classifications (1 of 4 stars). 5 submissions from 5 submitters: Uncertain significance (4); Likely benign (1). Last evaluated 2024-01-02.

Conditions:
Myopathy, congenital, with structured cores and z-line abnormalities. Also called: MULTIPLE STRUCTURED CORE DISEASE; CONGENITAL MYOPATHY 8. Identifiers: MedGen C5231445, MONDO:0032852, OMIM 618654.
Dilated cardiomyopathy 1AA (CMD1AA). Also called: Cardiomyopathy, dilated, 1AA, with or without LVNC; CARDIOMYOPATHY, FAMILIAL HYPERTROPHIC, 23, WITH OR WITHOUT LEFT VENTRICULAR NONCOMPACTION; CARDIOMYOPATHY, DILATED, 1AA, WITH OR WITHOUT LEFT VENTRICULAR NONCOMPACTION. Identifiers: Orphanet 154, MedGen C2677338, MONDO:0012808, OMIM 612158.
Myopathy, distal, 6, adult-onset, autosomal dominant. Identifiers: MedGen C5203349, MONDO:0032853, OMIM 618655.
Primary familial hypertrophic cardiomyopathy (HCM). Identifiers: Orphanet 99739, MedGen C0949658, MeSH D024741, MONDO:0024573. Inheritance: Various modes of inheritance.
Cardiovascular phenotype. Identifiers: MedGen CN230736.

Allele frequency attached by ClinVar (database versions not stated): gnomAD exomes below 0.00001; TOPMed below 0.00001; ExAC 0.00001; ESP Exome Variant Server 0.00008.
gnomAD v4.1: 8 of 1,614,076 alleles (0.0005%); highest among the groups gnomAD compares: Non-Finnish European, 0.00068%; no homozygotes.

Submissions (5):

Ambry Genetics
Classification: Uncertain significance for Cardiovascular phenotype. Last evaluated: 2024-01-02. Review status: criteria provided, single submitter. Criteria: Ambry Variant Classification Scheme 2023. Collection method: clinical testing. Allele origin: germline.
Comment: The p.I591V variant (also known as c.1771A>G), located in coding exon 15 of the ACTN2 gene, results from an A to G substitution at nucleotide position 1771. The isoleucine at codon 591 is replaced by valine, an amino acid with highly similar properties. This variant has been detected in individuals with sudden unexplained death and an individual from a hypertrophic cardiomyopathy cohort; however, details were limited (Shanks GW et al. Circ Cardiovasc Genet, 2017 Oct;10; Walsh R et al. Genet Med, 2017 Feb;19:192-203; Shanks GW et al. Circulation, 2018 Jun;137:2705-2715). This amino acid position is not well conserved in available vertebrate species. In addition, this alteration is predicted to be tolerated by in silico analysis. Since supporting evidence is limited at this time, the clinical significance of this alteration remains unclear.

Labcorp Genetics (formerly Invitae), Labcorp
Classification: Likely benign for Primary familial hypertrophic cardiomyopathy; Dilated cardiomyopathy 1AA. Last evaluated: 2023-09-10. Review status: criteria provided, single submitter. Criteria: Invitae Variant Classification Sherloc (09022015). Collection method: clinical testing. Allele origin: germline.

GeneDx
Classification: Uncertain significance. Last evaluated: 2023-09-07. Review status: criteria provided, single submitter. Criteria: GeneDx Variant Classification Process June 2021. Collection method: clinical testing. Allele origin: germline. Affected: yes.
Comment: Not observed at significant frequency in large population cohorts (gnomAD); In silico analysis supports that this missense variant does not alter protein structure/function; This variant is associated with the following publications: (PMID: 27532257, 28986455, 29915097)

Fulgent Genetics
Classification: Uncertain significance for Dilated cardiomyopathy 1AA; Myopathy, congenital, with structured cores and z-line abnormalities; Myopathy, distal, 6, adult-onset, autosomal dominant. Last evaluated: 2021-09-10. Review status: criteria provided, single submitter. Criteria: ACMG Guidelines, 2015. Collection method: clinical testing. Allele origin: unknown.

ARUP Laboratories, Molecular Genetics and Genomics, ARUP Laboratories
Classification: Uncertain significance. Last evaluated: 2017-05-18. Review status: criteria provided, single submitter. Criteria: ARUP Molecular Germline Variant Investigation Process. Collection method: clinical testing. Allele origin: germline.
Comment: The p.Ile591Val variant (rs377650301) has been previously identified in a single patient in a hypertrophic cardiomyopathy cohort but was categorized as a class 3 variant - unknown pathogenicity (Walsh 2017). This variant is listed in the NHLBI GO Exome Sequencing Project with an overall population frequency of 0.01 percent (identified on 1 out of 13,006 chromosomes) and is listed in the Exome Aggregation Consortium Browser with an overall population frequency of 0.001 percent (identified on 1 out of 121,390 chromosomes). The p.Ile591Val variant has been reported to ClinVar (Variation ID: 390309) The isoleucine at position 591 is highly conserved, up to Fruitfly (considering 12 species) and computational analyses of the effects of the p.Ile591Val variant on protein structure and function provide conflicting results (SIFT: tolerated, MutationTaster: disease causing, PolyPhen-2: benign). Altogether, there is not enough evidence to classify the p.Ile591Val variant with certainty.

Literature cited by the submitters: PubMed 27532257 (cited by Ambry Genetics); PubMed 28986455 (cited by Ambry Genetics); PubMed 29915097 (cited by Ambry Genetics).

NM_001103.4(ACTN2):c.1771A>G (p.Ile591Val)

Gene: ACTN2 (actinin alpha 2; plus strand). Cytogenetic location: 1q43.
Variant type: single nucleotide variant.
Coding change: c.1771A>G on transcript NM_001103.4 (MANE Select); coding-DNA position 1771, A replaced by G.
Protein change: p.Ile591Val; replaces isoleucine 591 with valine.
Molecular consequence: missense variant.
Genome position (GRCh38, 1-based): chr1:236,751,584, A>G. VCF-style: chr1-236751584-A-G. GRCh37 (hg19) VCF-style: chr1-236914884-A-G.
Other names: c.1771A>G, p.Ile591Val (NM_001278343.2); c.1147A>G, p.Ile383Val (NM_001278344.2); short protein forms I591V, I383V.
Identifiers: ClinVar variation 390309 (VCV000390309.22), dbSNP rs377650301, ClinGen allele CA1473248.